The following is an entry in ClinVar:

ClinVar aggregate classification (germline): Uncertain significance. Review status: criteria provided, multiple submitters, no conflicts (2 of 4 stars). 3 submissions from 3 submitters: Uncertain significance (3). Last evaluated 2024-06-24.

Conditions:
Hereditary cancer-predisposing syndrome. Also called: Hereditary Cancer Syndrome; Neoplastic Syndromes, Hereditary; Tumor predisposition; Hereditary neoplastic syndrome. Identifiers: Orphanet 140162, MedGen C0027672, MeSH D009386, MONDO:0015356.
Intellectual disability, autosomal dominant 16 (CSS4). Also called: COFFIN-SIRIS SYNDROME 4. Identifiers: Orphanet 1465, MedGen C3553249, MONDO:0013821, OMIM 614609.
Rhabdoid tumor predisposition syndrome 2 (RTPS2). Identifiers: Orphanet 231108, Orphanet 69077, MedGen C2750074, MONDO:0013224, OMIM 613325.

gnomAD v4.1: 5 of 1,596,738 alleles (0.00031%); highest among the groups gnomAD compares: Non-Finnish European, 0.00017%; no homozygotes.

Submissions (3):

Labcorp Genetics (formerly Invitae), Labcorp
Classification: Uncertain significance for Rhabdoid tumor predisposition syndrome 2. Last evaluated: 2024-06-24. Review status: criteria provided, single submitter. Criteria: Invitae Variant Classification Sherloc (09022015). Collection method: clinical testing. Allele origin: germline.
Comment: This sequence change replaces alanine, which is neutral and non-polar, with serine, which is neutral and polar, at codon 322 of the SMARCA4 protein (p.Ala322Ser). The frequency data for this variant in the population databases is considered unreliable, as metrics indicate poor data quality at this position in the gnomAD database. This variant has not been reported in the literature in individuals affected with SMARCA4-related conditions. ClinVar contains an entry for this variant (Variation ID: 480684). Advanced modeling of protein sequence and biophysical properties (such as structural, functional, and spatial information, amino acid conservation, physicochemical variation, residue mobility, and thermodynamic stability) performed at Invitae indicates that this missense variant is not expected to disrupt SMARCA4 protein function with a negative predictive value of 95%. In summary, the available evidence is currently insufficient to determine the role of this variant in disease. Therefore, it has been classified as a Variant of Uncertain Significance.

Ambry Genetics
Classification: Uncertain significance for Hereditary cancer-predisposing syndrome. Last evaluated: 2024-03-11. Review status: criteria provided, single submitter. Criteria: Ambry Variant Classification Scheme 2023. Collection method: clinical testing. Allele origin: germline.
Comment: The p.A322S variant (also known as c.964G>T), located in coding exon 5 of the SMARCA4 gene, results from a G to T substitution at nucleotide position 964. The alanine at codon 322 is replaced by serine, an amino acid with similar properties. This amino acid position is highly conserved in available vertebrate species. In addition, the in silico prediction for this alteration is inconclusive. Based on the available evidence, the clinical significance of this alteration remains unclear.

Genome-Nilou Lab
Classification: Uncertain significance for Intellectual disability, autosomal dominant 16. Last evaluated: 2021-07-15. Review status: criteria provided, single submitter. Criteria: ACMG Guidelines, 2015. Collection method: clinical testing. Allele origin: germline. Affected: no.

NM_003072.5(SMARCA4):c.964G>T (p.Ala322Ser)

Gene: SMARCA4 (SWI/SNF related BAF chromatin remodeling complex subunit ATPase 4; plus strand). Cytogenetic location: 19p13.2.
Variant type: single nucleotide variant.
Coding change: c.964G>T on transcript NM_003072.5 (MANE Select); coding-DNA position 964, G replaced by T.
Protein change: p.Ala322Ser; replaces alanine 322 with serine.
Molecular consequence: missense variant. On other transcripts: non-coding transcript variant (1).
Genome position (GRCh38, 1-based): chr19:10,987,770, G>T. VCF-style: chr19-10987770-G-T. GRCh37 (hg19) VCF-style: chr19-11098446-G-T.
Other names: c.964G>T, p.Ala322Ser (NM_001128844.3, NM_001128845.2, NM_001128846.2 and 5 more transcripts); short protein forms A322S.
Identifiers: ClinVar variation 480684 (VCV000480684.14), dbSNP rs1060502089, ClinGen allele CA404058538.